The following is an entry in ClinVar:

NM_018979.4(WNK1):c.1044C>T (p.Arg348=)

Gene: WNK1 (WNK lysine deficient protein kinase 1; plus strand). Cytogenetic location: 12p13.33.
Variant type: single nucleotide variant.
Coding change: c.1044C>T on transcript NM_018979.4 (MANE Select); coding-DNA position 1044, C replaced by T.
Protein change: p.Arg348=; no amino-acid change (arginine 348 retained).
Molecular consequence: synonymous variant.
Genome position (GRCh38, 1-based): chr12:827,153, C>T. VCF-style: chr12-827153-C-T. GRCh37 (hg19) VCF-style: chr12-936319-C-T.
Other names: p.Arg348=; c.1044C>T, p.Arg348= (NM_001184985.2, NM_014823.3, NM_213655.5).
Identifiers: ClinVar variation 705960 (VCV000705960.37), dbSNP rs201400797, ClinGen allele CA6381878.

ClinVar aggregate classification (germline): Likely benign. Review status: criteria provided, multiple submitters, no conflicts (2 of 4 stars). 5 submissions from 5 submitters: Likely benign (5). Last evaluated 2026-01-14.

Conditions:
Pseudohypoaldosteronism type 2C (PHA2C). Also called: Pseudohypoaldosteronism Type IIC. Identifiers: Orphanet 757, Orphanet 88940, MedGen C1840391, MONDO:0013778, OMIM 614492.
Neuropathy, hereditary sensory and autonomic, type 2A (HSAN2A). Also called: HSAN IIA; ACROOSTEOLYSIS, GIACCAI TYPE; ACROOSTEOLYSIS, NEUROGENIC; WNK1-Related HSAN2 (HSAN2A); MORVAN DISEASE; NEUROPATHY, CONGENITAL SENSORY. Identifiers: Orphanet 970, MedGen C2752089, MONDO:0024309, OMIM 201300.

Allele frequency attached by ClinVar (database versions not stated): gnomAD exomes 0.00003 and 0.00007; ExAC 0.00007; gnomAD 0.00013 and 0.00014; TOPMed 0.00015; 1000 Genomes Project 30x 0.00016; 1000 Genomes Project 0.00020.
gnomAD v4.1: 93 of 1,614,134 alleles (0.0058%); highest among the groups gnomAD compares: East Asian, 0.031%; 1 homozygote.

Submissions (5):

Labcorp Genetics (formerly Invitae), Labcorp
Classification: Likely benign for Neuropathy, hereditary sensory and autonomic, type 2A; Pseudohypoaldosteronism type 2C. Last evaluated: 2026-01-14. Review status: criteria provided, single submitter. Criteria: Invitae Variant Classification Sherloc (09022015). Collection method: clinical testing. Allele origin: germline.

Mayo Clinic Laboratories, Mayo Clinic
Classification: Likely benign. Last evaluated: 2025-11-19. Review status: criteria provided, single submitter. Criteria: ACMG Guidelines, 2015. Collection method: clinical testing. Allele origin: germline. Observed: 2 variant alleles.
Comment: BP4, BP7

CeGaT Center for Human Genetics Tuebingen
Classification: Likely benign. Last evaluated: 2025-09-01. Review status: criteria provided, single submitter. Criteria: CeGaT Center For Human Genetics Tuebingen Variant Classification Criteria Version 2. Collection method: clinical testing. Allele origin: germline. Affected: yes. Observed: 2 variant alleles.
Comment: WNK1: BP4, BP7

Blueprint Genetics
Classification: Likely benign. Last evaluated: 2024-10-14. Review status: criteria provided, single submitter. Criteria: ACMG Guidelines, 2015. Collection method: clinical testing. Allele origin: germline.

Fulgent Genetics
Classification: Likely benign for Neuropathy, hereditary sensory and autonomic, type 2A; Pseudohypoaldosteronism type 2C. Last evaluated: 2021-11-13. Review status: criteria provided, single submitter. Criteria: ACMG Guidelines, 2015. Collection method: clinical testing. Allele origin: unknown.